The following continues an entry in ClinVar:

NM_002693.3(POLG):c.678G>C (p.Gln226His)

ClinVar aggregate classification (germline): Conflicting classifications of pathogenicity. Uncertain significance (13); Likely benign (2).

Submissions 13 to 19 of 19:

Wong Mito Lab, Molecular and Human Genetics, Baylor College of Medicine
Classification: Likely benign for Progressive sclerosing poliodystrophy. Last evaluated: 2018-10-01. Review status: criteria provided, single submitter. Criteria: ACMG Guidelines, 2015. Collection method: clinical testing. Allele origin: germline.
Comment: The NM_002693.2:c.678G>C (NP_002684.1:p.Gln226His) [GRCH38: NC_000015.10:g.89330258C>G] variant in POLG gene is interpretated to be a Likely Benign based on ACMG guidelines (PMID: 25741868). This variant meets the following evidence codes reported in the ACMG-guideline. BS2:Observation of the variant in controls is inconsistent with penetrance of Mitochondrial DNA depletion syndrome 4A (Alpers type). BP4:Computational evidence/predictors indicate no impact on the POLG structure, function, or protein-protein interaction. Based on the evidence criteria codes applied, the variant is suggested to be Likely Benign.

Eurofins Ntd Llc (ga)
Classification: Uncertain significance. Last evaluated: 2018-06-14. Review status: criteria provided, single submitter. Criteria: EGL ClinVar v180209 classification definitions. Collection method: clinical testing. Allele origin: germline. Observed: 4 variant alleles, 4 heterozygotes.

Illumina Laboratory Services, Illumina
Classification: Uncertain significance for POLG-Related Spectrum Disorders. Last evaluated: 2017-04-27. Review status: criteria provided, single submitter. Criteria: ICSL Variant Classification Criteria 13 December 2019. Collection method: clinical testing. Allele origin: germline.

Clinical Molecular Genetics Laboratory, Johns Hopkins All Children's Hospital
Classification: Uncertain significance for autism; seizures. Last evaluated: 2016-08-10. Review status: no assertion criteria provided. Collection method: clinical testing. Allele origin: germline. Affected: yes. Not counted in ClinVar's aggregate classification.

Clinical Genetics DNA and cytogenetics Diagnostics Lab, Erasmus MC, Erasmus Medical Center
Classification: Likely benign. Review status: no assertion criteria provided. Collection method: clinical testing. Allele origin: germline. Affected: yes. Study: VKGL Data-share Consensus. Not counted in ClinVar's aggregate classification.

Diagnostic Laboratory, Department of Genetics, University Medical Center Groningen
Classification: Likely benign. Review status: no assertion criteria provided. Collection method: clinical testing. Allele origin: germline. Affected: yes. Study: VKGL Data-share Consensus. Not counted in ClinVar's aggregate classification.

Genome Diagnostics Laboratory, University Medical Center Utrecht
Classification: Likely benign. Review status: no assertion criteria provided. Collection method: clinical testing. Allele origin: germline. Affected: yes. Study: VKGL Data-share Consensus. Not counted in ClinVar's aggregate classification.

Literature cited by the submitters: PubMed 33600046 (cited by 4 submitters); PubMed 29913018 (cited by 4 submitters); PubMed 31521625 (cited by Women's Health and Genetics/Laboratory Corporation of America, LabCorp and Athena Diagnostics); PubMed 38871447 (cited by Women's Health and Genetics/Laboratory Corporation of America, LabCorp); PubMed 21880868 (cited by 4 submitters); PubMed 40004527 (cited by Mayo Clinic Laboratories, Mayo Clinic); PubMed 28480171 (cited by Athena Diagnostics); PubMed 27101133 (cited by Athena Diagnostics); PubMed 29590070 (cited by Athena Diagnostics); PubMed 25462018 (cited by Athena Diagnostics); PubMed 37349538 (cited by Athena Diagnostics); PubMed 18156159 (cited by Athena Diagnostics); PubMed 38539105 (cited by Athena Diagnostics).